The following is an entry in ClinVar:

ClinVar aggregate classification (germline): Conflicting classifications of pathogenicity. Review status: criteria provided, conflicting classifications (1 of 4 stars). 5 submissions from 5 submitters: Uncertain significance (3); Likely benign (2). Last evaluated 2025-12-10.

Conditions:
SPTA1-related disorder. Also called: SPTA1-related disorders; SPTA1-related condition.
Elliptocytosis 2 (EL2). Also called: ELLIPTOCYTOSIS, RHESUS-UNLINKED TYPE. Identifiers: Orphanet 288, MedGen C1851741, MONDO:0007533, OMIM 130600.

Allele frequency attached by ClinVar (database versions not stated): gnomAD exomes 0.00010 and 0.00032; ExAC 0.00041; ESP Exome Variant Server 0.00088; gnomAD 0.00110 and 0.00117; 1000 Genomes Project 0.00120; 1000 Genomes Project 30x 0.00125; TOPMed 0.00127.
gnomAD v4.1: 319 of 1,614,062 alleles (0.02%); highest among the groups gnomAD compares: African/African-American, 0.38%; 1 homozygote.

Submissions (5):

Labcorp Genetics (formerly Invitae), Labcorp
Classification: Likely benign. Last evaluated: 2025-12-10. Review status: criteria provided, single submitter. Criteria: Invitae Variant Classification Sherloc (09022015). Collection method: clinical testing. Allele origin: germline.

Mayo Clinic Laboratories, Mayo Clinic
Classification: Uncertain significance. Last evaluated: 2025-09-30. Review status: criteria provided, single submitter. Criteria: ACMG Guidelines, 2015. Collection method: clinical testing. Allele origin: germline. Observed: 6 variant alleles.
Comment: BP5

PreventionGenetics, part of Exact Sciences
Classification: Likely benign for SPTA1-related condition. Last evaluated: 2025-02-10. Review status: criteria provided, single submitter. Criteria: ACMG Guidelines, 2015. Collection method: clinical testing. Allele origin: germline.
Comment: This variant is classified as likely benign based on ACMG/AMP sequence variant interpretation guidelines (Richards et al. 2015 PMID: 25741868, with internal and published modifications).

ARUP Laboratories, Molecular Genetics and Genomics, ARUP Laboratories
Classification: Uncertain significance. Last evaluated: 2023-12-15. Review status: criteria provided, single submitter. Criteria: ARUP Molecular Germline Variant Investigation Process 2024. Collection method: clinical testing. Allele origin: germline.

Baylor Genetics
Classification: Uncertain significance for Elliptocytosis 2. Last evaluated: 2018-08-21. Review status: criteria provided, single submitter. Criteria: ACMG Guidelines, 2015. Collection method: clinical testing. Allele origin: unknown. Affected: yes.
Comment: This variant was determined to be of uncertain significance according to ACMG Guidelines, 2015 [PMID:25741868].

NM_003126.4(SPTA1):c.3062A>T (p.Asp1021Val)

Gene: SPTA1 (spectrin alpha, erythrocytic 1; minus strand). Cytogenetic location: 1q23.1.
Variant type: single nucleotide variant.
Coding change: c.3062A>T on transcript NM_003126.4 (MANE Select); coding-DNA position 3062, A replaced by T.
Protein change: p.Asp1021Val; replaces aspartic acid 1021 with valine.
Molecular consequence: missense variant.
Genome position (GRCh38, 1-based): chr1:158,653,400, T>A on the plus strand (A>T on the coding strand, the complement: SPTA1 is on the minus strand). VCF-style: chr1-158653400-T-A. GRCh37 (hg19) VCF-style: chr1-158623190-T-A.
Other names: p.Asp1021Val; short protein forms D1021V.
Identifiers: ClinVar variation 791613 (VCV000791613.20), dbSNP rs200511900, ClinGen allele CA1183181.